The following is an entry in ClinVar:

ClinVar aggregate classification (germline): Uncertain significance (1 of 4 stars; one submission).

Conditions:
Inborn genetic diseases. Identifiers: MedGen C0950123, MeSH D030342.

gnomAD v4.1: 1 of 1,611,434 alleles (0.000062%); highest among the groups gnomAD compares: South Asian, 0.0011%; no homozygotes.

Submission:

Ambry Genetics
Classification: Uncertain significance for Inborn genetic diseases. Last evaluated: 2024-08-17. Review status: criteria provided, single submitter. Criteria: Ambry Variant Classification Scheme 2023. Collection method: clinical testing. Allele origin: germline.
Comment: The p.S912R variant (also known as c.2734A>C), located in coding exon 21 of the LRRK2 gene, results from an A to C substitution at nucleotide position 2734. The serine at codon 912 is replaced by arginine, an amino acid with dissimilar properties. This amino acid position is conserved. In addition, this alteration is predicted to be tolerated by in silico analysis. Based on the available evidence, the clinical significance of this variant remains unclear.

NM_198578.4(LRRK2):c.2734A>C (p.Ser912Arg)

Gene: LRRK2 (leucine rich repeat kinase 2; plus strand). Cytogenetic location: 12q12.
Variant type: single nucleotide variant.
Coding change: c.2734A>C on transcript NM_198578.4 (MANE Select); coding-DNA position 2734, A replaced by C.
Protein change: p.Ser912Arg; replaces serine 912 with arginine.
Molecular consequence: missense variant.
Genome position (GRCh38, 1-based): chr12:40,293,589, A>C. VCF-style: chr12-40293589-A-C. GRCh37 (hg19) VCF-style: chr12-40687391-A-C.
Other names: short protein forms S912R.
Identifiers: ClinVar variation 3540628 (VCV003540628.1).